The following is an entry in ClinVar:

NM_000281.4(PCBD1):c.108_118del (p.Lys36fs)

Gene: PCBD1 (pterin-4 alpha-carbinolamine dehydratase 1; minus strand). Cytogenetic location: 10q22.1.
Variant type: Deletion.
Coding change: c.108_118del on transcript NM_000281.4 (MANE Select); coding-DNA positions 108 to 118, 11 bases deleted (GCAGTTTCATT).
Protein change: p.Lys36fs; shifts the reading frame from lysine 36.
Molecular consequence: frameshift variant. On other transcripts: 5 prime UTR variant (1).
Genome position (GRCh38, 1-based): chr10:70,885,815-70,885,825, AATGAAACTGC deleted on the plus strand (GCAGTTTCATT on the coding strand, the reverse complement: PCBD1 is on the minus strand). VCF-style (leftmost placement, unchanged base first): chr10-70885814-AAATGAAACTGC-A. GRCh37 (hg19) VCF-style: chr10-72645571-AAATGAAACTGC-A.
Other names: c.-40_-30del (NM_001289797.2); c.108_118del, p.Lys36fs (NM_001323004.2); short protein forms K36fs.
Identifiers: ClinVar variation 1996775 (VCV001996775.4), dbSNP rs2492833598, ClinGen allele CA2580081786.

ClinVar aggregate classification (germline): Pathogenic (1 of 4 stars; one submission).

Conditions:
Pterin-4 alpha-carbinolamine dehydratase 1 deficiency. Also called: Hyperphenylalaninemia due to dehydratase deficiency; CADH DEFICIENCY; HYPERPHENYLALANINEMIA WITH PRIMAPTERINURIA; HYPERPHENYLALANINEMIA, TETRAHYDROBIOPTERIN-DEFICIENT, DUE TO PTERIN-4-ALPHA-CARBINOLAMINE DEHYDRATASE DEFICIENCY. Identifiers: Orphanet 1578, Orphanet 238583, MedGen C1849700, MONDO:0009908, OMIM 264070.

Submission:

Labcorp Genetics (formerly Invitae), Labcorp
Classification: Pathogenic for Pterin-4 alpha-carbinolamine dehydratase 1 deficiency. Last evaluated: 2024-01-29. Review status: criteria provided, single submitter. Criteria: Invitae Variant Classification Sherloc (09022015). Collection method: clinical testing. Allele origin: germline.
Comment: This sequence change creates a premature translational stop signal (p.Lys36Asnfs*19) in the PCBD1 gene. It is expected to result in an absent or disrupted protein product. Loss-of-function variants in PCBD1 are known to be pathogenic (PMID: 958615). This variant is not present in population databases (gnomAD no frequency). This variant has not been reported in the literature in individuals affected with PCBD1-related conditions. ClinVar contains an entry for this variant (Variation ID: 1996775). For these reasons, this variant has been classified as Pathogenic.

Literature cited by the submitters: PubMed 958615.